The following is an entry in ClinVar:

NM_175875.5(SIX5):c.804-7C>T

Genes: SIX5 (SIX homeobox 5; minus strand), LOC107075317 (origin of replication in DMPK trinucleotide repeat region; plus strand). Cytogenetic location: 19q13.32.
Variant type: single nucleotide variant.
Coding change: c.804-7C>T on transcript NM_175875.5 (MANE Select); 7 bases into the intron before coding-DNA position 804, C replaced by T.
Molecular consequence: intron variant.
Genome position (GRCh38, 1-based): chr19:45,767,162, G>A on the plus strand (C>T on the coding strand, the complement: SIX5 is on the minus strand). VCF-style: chr19-45767162-G-A. GRCh37 (hg19) VCF-style: chr19-46270420-G-A.
Other names: c.804-7C>T (NM_175875.4).
Identifiers: ClinVar variation 2997271 (VCV002997271.6), dbSNP rs565671589, ClinGen allele CA309001090.

ClinVar aggregate classification (germline): Likely benign. Review status: criteria provided, multiple submitters, no conflicts (2 of 4 stars). 3 submissions from 3 submitters: Likely benign (2). 1 of the submissions does not count toward it. Last evaluated 2024-06-03.

Conditions:
SIX5-related disorder. Also called: SIX5-related condition.

Allele frequency attached by ClinVar (database versions not stated): gnomAD exomes below 0.00001; 1000 Genomes Project 30x 0.00031; 1000 Genomes Project 0.00040.
gnomAD v4.1: 7 of 1,610,730 alleles (0.00043%); highest among the groups gnomAD compares: East Asian, 0.0067%; no homozygotes.

Submissions (3):

Labcorp Genetics (formerly Invitae), Labcorp
Classification: Likely benign. Last evaluated: 2024-06-03. Review status: criteria provided, single submitter. Criteria: Invitae Variant Classification Sherloc (09022015). Collection method: clinical testing. Allele origin: germline.

Blueprint Genetics
Classification: Likely benign. Last evaluated: 2020-07-16. Review status: criteria provided, single submitter. Criteria: ACMG Guidelines, 2015. Collection method: clinical testing. Allele origin: germline.

PreventionGenetics, part of Exact Sciences
Classification: Likely benign for SIX5-related condition. Last evaluated: 2023-05-23. Review status: no assertion criteria provided. Collection method: clinical testing. Allele origin: germline. Not counted in ClinVar's aggregate classification.
Comment: This variant is classified as likely benign based on ACMG/AMP sequence variant interpretation guidelines (Richards et al. 2015 PMID: 25741868, with internal and published modifications).